The following is an entry in ClinVar:

ClinVar aggregate classification (germline): Uncertain significance (1 of 4 stars; one submission).

Conditions:
Leukocyte adhesion deficiency 3. Also called: Leukocyte adhesion deficiency, type III; INTEGRIN ACTIVATION DEFICIENCY DISEASE; LEUKOCYTE ADHESION DEFICIENCY 1 VARIANT. Identifiers: Orphanet 2968, Orphanet 99844, MedGen C2748536, MONDO:0013016, OMIM 612840.

Submission:

Labcorp Genetics (formerly Invitae), Labcorp
Classification: Uncertain significance for Leukocyte adhesion deficiency 3. Last evaluated: 2019-10-27. Review status: criteria provided, single submitter. Criteria: Invitae Variant Classification Sherloc (09022015). Collection method: clinical testing. Allele origin: germline.
Comment: In summary, the available evidence is currently insufficient to determine the role of this variant in disease. Therefore, it has been classified as a Variant of Uncertain Significance. Algorithms developed to predict the effect of missense changes on protein structure and function (SIFT, PolyPhen-2, Align-GVGD) all suggest that this variant is likely to be tolerated, but these predictions have not been confirmed by published functional studies and their clinical significance is uncertain. This variant has not been reported in the literature in individuals with FERMT3-related conditions. This variant is not present in population databases (ExAC no frequency). This sequence change replaces alanine with glycine at codon 243 of the FERMT3 protein (p.Ala243Gly). The alanine residue is moderately conserved and there is a small physicochemical difference between alanine and glycine.

NM_031471.6(FERMT3):c.728C>G (p.Ala243Gly)

Gene: FERMT3 (FERM domain containing kindlin 3; plus strand). Cytogenetic location: 11q13.1.
Variant type: single nucleotide variant.
Coding change: c.728C>G on transcript NM_031471.6 (MANE Select); coding-DNA position 728, C replaced by G.
Protein change: p.Ala243Gly; replaces alanine 243 with glycine.
Molecular consequence: missense variant.
Genome position (GRCh38, 1-based): chr11:64,211,689, C>G. VCF-style: chr11-64211689-C-G. GRCh37 (hg19) VCF-style: chr11-63979161-C-G.
Other names: c.728C>G, p.Ala243Gly (NM_001382361.1, NM_001382362.1, NM_001382448.1 and 1 more transcripts); c.188C>G, p.Ala63Gly (NM_001382363.1, NM_001382364.1); short protein forms A243G, A63G.
Identifiers: ClinVar variation 959539 (VCV000959539.9), dbSNP rs1402606308, ClinGen allele CA381083188.
Genomic context (GRCh38, chr11:64,211,689, plus strand): 5'-TTCTGCCGCGGCCCAGGTGGCTGGACTCGTCGCGGTGTCTCATGCAGCAGGGCATCAAGG[C>G]CGGGGACGCACTCTGGCTGCGCTTCAAGTACTACAGCTTCTTCGATTTGGATCCCAAGGT-3'
Protein context (NP_113659.3, residues 233-253): SRCLMQQGIK[Ala243Gly]GDALWLRFKY